The following is an entry in ClinVar:

ClinVar aggregate classification (germline): Uncertain significance (1 of 4 stars; one submission).

Conditions:
Hereditary cancer-predisposing syndrome. Also called: Neoplastic Syndromes, Hereditary; Tumor predisposition; Hereditary neoplastic syndrome; Hereditary Cancer Syndrome. Identifiers: Orphanet 140162, MedGen C0027672, MeSH D009386, MONDO:0015356.

Submission:

Ambry Genetics
Classification: Uncertain significance for Hereditary cancer-predisposing syndrome. Last evaluated: 2026-07-07. Review status: criteria provided, single submitter. Criteria: Ambry Variant Classification Scheme 2023. Collection method: clinical testing. Allele origin: germline.
Comment: The p.Q942P variant (also known as c.2825A>C), located in coding exon 20 of the TSC1 gene, results from an A to C substitution at nucleotide position 2825. The glutamine at codon 942 is replaced by proline, an amino acid with similar properties. This amino acid position is conserved. In addition, the in silico prediction for this alteration is inconclusive. Based on the available evidence, the clinical significance of this variant remains unclear.

NM_000368.5(TSC1):c.2825A>C (p.Gln942Pro)

Gene: TSC1 (TSC complex subunit 1; minus strand). Cytogenetic location: 9q34.13.
Variant type: single nucleotide variant.
Coding change: c.2825A>C on transcript NM_000368.5 (MANE Select); coding-DNA position 2825, A replaced by C.
Protein change: p.Gln942Pro; replaces glutamine 942 with proline.
Molecular consequence: missense variant. On other transcripts: non-coding transcript variant (5).
Genome position (GRCh38, 1-based): chr9:132,897,334, T>G on the plus strand (A>C on the coding strand, the complement: TSC1 is on the minus strand). VCF-style: chr9-132897334-T-G. GRCh37 (hg19) VCF-style: chr9-135772721-T-G.
Other names: c.2822A>C, p.Gln941Pro (NM_001406599.1, NM_001406600.1, NM_001406597.1 and 2 more transcripts); c.2810A>C, p.Gln937Pro (NM_001406601.1, NM_001406602.1); c.2807A>C, p.Gln936Pro (NM_001406603.1, NM_001406604.1); c.2783A>C, p.Gln928Pro (NM_001406605.1, NM_001406606.1, NM_001406607.1); c.2780A>C, p.Gln927Pro (NM_001406608.1, NM_001406609.1); c.2462A>C, p.Gln821Pro (NM_001406618.1, NM_001406619.1, NM_001362177.2 and 4 more transcripts); c.2459A>C, p.Gln820Pro (NM_001406620.1, NM_001406621.1, NM_001406622.1 and 1 more transcripts); c.2420A>C, p.Gln807Pro (NM_001406624.1); and 8 more; short protein forms Q625P, Q806P, Q927P, Q928P, Q936P, Q937P, Q820P, Q876P.
Identifiers: ClinVar variation 5031228 (VCV005031228.1).
Genomic context (GRCh38, chr9:132,897,334, plus strand): 5'-ATCTCCAATTCAAACACCTGGGTTATCCTTTTCTGAGCCTCATACCTGCTCTCTGCGGCC[T>G]GCAGCTGTCCTCTGAAAGATACAGACCAGCCAGAATATAGGAAGTTCCACTTAATAAAAA-3'
Protein context (NP_000359.1, residues 932-952): DVKLQARGQL[Gln942Pro]AAESRYEAQK